The following is an entry in ClinVar:

ClinVar aggregate classification (germline): Uncertain significance. Review status: criteria provided, multiple submitters, no conflicts (2 of 4 stars). 2 submissions from 2 submitters: Uncertain significance (2). Last evaluated 2025-12-06.

Conditions:
Inborn genetic diseases. Identifiers: MedGen C0950123, MeSH D030342.

Allele frequency attached by ClinVar (database versions not stated): TOPMed below 0.00001.
gnomAD v4.1: 14 of 1,613,838 alleles (0.00087%); highest among the groups gnomAD compares: Non-Finnish European, 0.0011%; 1 homozygote.

Submissions (2):

Labcorp Genetics (formerly Invitae), Labcorp
Classification: Uncertain significance. Last evaluated: 2025-12-06. Review status: criteria provided, single submitter. Criteria: Invitae Variant Classification Sherloc (09022015). Collection method: clinical testing. Allele origin: germline.
Comment: This sequence change replaces proline, which is neutral and non-polar, with histidine, which is basic and polar, at codon 337 of the FGB protein (p.Pro337His). This variant is present in population databases (no rsID available, gnomAD 0.0009%). This variant has not been reported in the literature in individuals affected with FGB-related conditions. ClinVar contains an entry for this variant (Variation ID: 2477890). Invitae Evidence Modeling of protein sequence and biophysical properties (such as structural, functional, and spatial information, amino acid conservation, physicochemical variation, residue mobility, and thermodynamic stability) indicates that this missense variant is not expected to disrupt FGB protein function with a negative predictive value of 80%. In summary, the available evidence is currently insufficient to determine the role of this variant in disease. Therefore, it has been classified as a Variant of Uncertain Significance.

Ambry Genetics
Classification: Uncertain significance for Inborn genetic diseases. Last evaluated: 2023-01-23. Review status: criteria provided, single submitter. Criteria: Ambry Variant Classification Scheme 2023. Collection method: clinical testing. Allele origin: germline.

NM_005141.5(FGB):c.1010C>A (p.Pro337His)

Gene: FGB (fibrinogen beta chain; plus strand). Cytogenetic location: 4q31.3.
Variant type: single nucleotide variant.
Coding change: c.1010C>A on transcript NM_005141.5 (MANE Select); coding-DNA position 1010, C replaced by A.
Protein change: p.Pro337His; replaces proline 337 with histidine.
Molecular consequence: missense variant. On other transcripts: intron variant (1).
Genome position (GRCh38, 1-based): chr4:154,569,565, C>A. VCF-style: chr4-154569565-C-A. GRCh37 (hg19) VCF-style: chr4-155490717-C-A.
Other names: c.833C>A, p.Pro278His (NM_001184741.1); c.878C>A, p.Pro293His (NM_001382759.1); c.1010C>A, p.Pro337His (NM_001382760.1, NM_001382761.1, NM_001382764.1 and 1 more transcripts); c.1001C>A, p.Pro334His (NM_001382763.1); c.746-36C>A (NM_001382762.1); short protein forms P334H, P278H, P293H, P337H.
Identifiers: ClinVar variation 2477890 (VCV002477890.3), dbSNP rs1292310583, ClinGen allele CA358514766.